The following is an entry in ClinVar:

ClinVar aggregate classification (germline): Pathogenic (1 of 4 stars; one submission).

Submission:

Labcorp Genetics (formerly Invitae), Labcorp
Classification: Pathogenic. Last evaluated: 2022-03-10. Review status: criteria provided, single submitter. Criteria: Invitae Variant Classification Sherloc (09022015). Collection method: clinical testing. Allele origin: germline.
Comment: This variant is a gross deletion of the genomic region encompassing exon(s) 15-16 of the EYS gene. This deletion is out-of-frame, and is expected to create a premature termination codon and result in an absent or disrupted protein product. Loss-of-function variants in EYS are known to be pathogenic (PMID: 18836446, 20333770). This variant has not been reported in the literature in individuals affected with EYS-related conditions. For these reasons, this variant has been classified as Pathogenic.

Literature cited by the submitters: PubMed 18836446; PubMed 20333770.

NC_000006.11:g.(?_65622377)_(65655807_?)del

Gene: EYS (eyes shut homolog; minus strand). Cytogenetic location: 6q12.
Variant type: Deletion.
Identifiers: ClinVar variation 1068599 (VCV001068599.2).